The following is an entry in ClinVar:

NM_004360.5(CDH1):c.1210C>A (p.Pro404Thr)

Gene: CDH1 (cadherin 1; plus strand). Cytogenetic location: 16q22.1.
Variant type: single nucleotide variant.
Coding change: c.1210C>A on transcript NM_004360.5 (MANE Select); coding-DNA position 1210, C replaced by A.
Protein change: p.Pro404Thr; replaces proline 404 with threonine.
Molecular consequence: missense variant. On other transcripts: 5 prime UTR variant (2), intron variant (1).
Genome position (GRCh38, 1-based): chr16:68,813,385, C>A. VCF-style: chr16-68813385-C-A. GRCh37 (hg19) VCF-style: chr16-68847288-C-A.
Other names: c.-406C>A (NM_001317185.2); c.-610C>A (NM_001317186.2); c.1137+1122C>A (NM_001317184.2); short protein forms P404T.
Identifiers: ClinVar variation 2587437 (VCV002587437.6), dbSNP rs1334047600, ClinGen allele CA396461312.

ClinVar aggregate classification (germline): Uncertain significance. Review status: criteria provided, multiple submitters, no conflicts (2 of 4 stars). 2 submissions from 2 submitters: Uncertain significance (2). Last evaluated 2025-09-17.

Conditions:
Hereditary diffuse gastric adenocarcinoma (HDGC). Also called: DIFFUSE GASTRIC AND LOBULAR BREAST CANCER SYNDROME. Identifiers: Orphanet 26106, MedGen C1708349, MONDO:0007648, OMIM 137215.
Hereditary cancer-predisposing syndrome. Also called: Tumor predisposition; Neoplastic Syndromes, Hereditary; Hereditary Cancer Syndrome; Hereditary neoplastic syndrome. Identifiers: Orphanet 140162, MedGen C0027672, MeSH D009386, MONDO:0015356.

Submissions (2):

Ambry Genetics
Classification: Uncertain significance for Hereditary cancer-predisposing syndrome. Last evaluated: 2025-09-17. Review status: criteria provided, single submitter. Criteria: Ambry Variant Classification Scheme 2023. Collection method: clinical testing. Allele origin: germline.
Comment: The p.P404T variant (also known as c.1210C>A), located in coding exon 9 of the CDH1 gene, results from a C to A substitution at nucleotide position 1210. The proline at codon 404 is replaced by threonine, an amino acid with highly similar properties. This amino acid position is conserved. In addition, this alteration is predicted to be tolerated by in silico analysis. Based on the available evidence, the clinical significance of this variant remains unclear.

Labcorp Genetics (formerly Invitae), Labcorp
Classification: Uncertain significance for Hereditary diffuse gastric adenocarcinoma. Last evaluated: 2024-02-29. Review status: criteria provided, single submitter. Criteria: Invitae Variant Classification Sherloc (09022015). Collection method: clinical testing. Allele origin: germline.
Comment: This sequence change replaces proline, which is neutral and non-polar, with threonine, which is neutral and polar, at codon 404 of the CDH1 protein (p.Pro404Thr). This variant is not present in population databases (gnomAD no frequency). This variant has not been reported in the literature in individuals affected with CDH1-related conditions. ClinVar contains an entry for this variant (Variation ID: 2587437). An algorithm developed to predict the effect of missense changes on protein structure and function (PolyPhen-2) suggests that this variant is likely to be disruptive. In summary, the available evidence is currently insufficient to determine the role of this variant in disease. Therefore, it has been classified as a Variant of Uncertain Significance.